The following is an entry in ClinVar:

NM_015107.3(PHF8):c.1415C>T (p.Ala472Val)

Gene: PHF8 (PHD finger protein 8; minus strand). Cytogenetic location: Xp11.22.
Variant type: single nucleotide variant.
Coding change: c.1415C>T on transcript NM_015107.3 (MANE Select); coding-DNA position 1415, C replaced by T.
Protein change: p.Ala472Val; replaces alanine 472 with valine.
Molecular consequence: missense variant. On other transcripts: intron variant (3).
Genome position (GRCh38, 1-based): chrX:53,993,812, G>A on the plus strand (C>T on the coding strand, the complement: PHF8 is on the minus strand). VCF-style: chrX-53993812-G-A. GRCh37 (hg19) VCF-style: chrX-54020245-G-A.
Other names: c.1523C>T, p.Ala508Val (NM_001184896.1, NM_001441097.1); c.1415C>T, p.Ala472Val (NM_001184898.2); c.1432-973C>T (NM_001441096.1, NM_001441098.1); c.1324-973C>T (NM_001184897.2); short protein forms A472V, A508V.
Identifiers: ClinVar variation 5020247 (VCV005020247.1).

ClinVar aggregate classification (germline): Uncertain significance (1 of 4 stars; one submission).

Submission:

Dasa
Classification: Uncertain significance. Last evaluated: 2026-07-04. Review status: criteria provided, single submitter. Criteria: DASA Assertion Criteria. Collection method: clinical testing. Allele origin: germline.
Comment: NM_015107.3(PHF8):c.1415C>T (p.Ala472Val) is a missense variant that results in the substitution of alanine with valine. This variant is rare in population databases. Computational prediction algorithms are consistent with a benign effect. The currently available literature and clinical evidence are not sufficient to establish a definitive association between this variant and the reported condition. Therefore, this variant is classified as a variant of uncertain significance.